The following is an entry in ClinVar:

NM_001330691.3(CEP78):c.1414_1417del (p.Glu472fs)

Gene: CEP78 (centrosomal protein 78; plus strand). Cytogenetic location: 9q21.2.
Variant type: Deletion.
Coding change: c.1414_1417del on transcript NM_001330691.3 (MANE Select); coding-DNA positions 1414 to 1417, 4 bases deleted (GAAG; older notation c.1414_1417delGAAG).
Protein change: p.Glu472fs; shifts the reading frame from glutamic acid 472.
Molecular consequence: frameshift variant.
Genome position (GRCh38, 1-based): chr9:78,262,940-78,262,943, GAAG deleted; deleting any 4 consecutive bases within chr9:78,262,937-78,262,943 gives the same sequence; the c. name uses the placement nearest the transcript's 3' end. VCF-style (leftmost placement, unchanged base first): chr9-78262936-AAAGG-A. GRCh37 (hg19) VCF-style: chr9-80877852-AAAGG-A.
Other names: c.1417_1420del, p.Glu473fs (NM_001098802.3, NM_001349839.2, NM_001349840.2 and 1 more transcripts); c.1414_1417del, p.Glu472fs (NM_001330693.3, NM_001330694.2, NM_001349838.2); short protein forms E473fs, E472fs.
Identifiers: ClinVar variation 1459637 (VCV001459637.7), dbSNP rs1261640800, ClinGen allele CA588657932.

ClinVar aggregate classification (germline): Pathogenic/Likely pathogenic. Review status: criteria provided, multiple submitters, no conflicts (2 of 4 stars). 2 submissions from 2 submitters: Pathogenic (1); Likely pathogenic (1). Last evaluated 2024-02-24.

Conditions:
CEP78-related disorder. Also called: CEP78-related condition.

Submissions (2):

Labcorp Genetics (formerly Invitae), Labcorp
Classification: Pathogenic. Last evaluated: 2024-02-24. Review status: criteria provided, single submitter. Criteria: Invitae Variant Classification Sherloc (09022015). Collection method: clinical testing. Allele origin: germline.
Comment: This sequence change creates a premature translational stop signal (p.Glu473Lysfs*3) in the CEP78 gene. It is expected to result in an absent or disrupted protein product. Loss-of-function variants in CEP78 are known to be pathogenic (PMID: 27588451, 27588452, 27627988). This variant is present in population databases (no rsID available, gnomAD 0.01%). This variant has not been reported in the literature in individuals affected with CEP78-related conditions. ClinVar contains an entry for this variant (Variation ID: 1459637). Algorithms developed to predict the effect of sequence changes on RNA splicing suggest that this variant may disrupt the consensus splice site. For these reasons, this variant has been classified as Pathogenic.

Blueprint Genetics
Classification: Likely pathogenic for CEP78-related disorders. Last evaluated: 2021-09-24. Review status: criteria provided, single submitter. Criteria: ACMG Guidelines, 2015. Collection method: clinical testing. Allele origin: germline. Affected: yes. Observed: 1 variant allele.

Literature cited by the submitters: PubMed 27588451 (cited by Labcorp Genetics (formerly Invitae), Labcorp); PubMed 27588452 (cited by Labcorp Genetics (formerly Invitae), Labcorp); PubMed 27627988 (cited by Labcorp Genetics (formerly Invitae), Labcorp).